The following is an entry in ClinVar:

NM_000077.5(CDKN2A):c.106dup (p.Ala36fs)

Gene: CDKN2A (cyclin dependent kinase inhibitor 2A; minus strand). Cytogenetic location: 9p21.3.
Variant type: Duplication.
Coding change: c.106dup on transcript NM_000077.5; coding-DNA position 106, one base duplicated (G; older notation c.106dupG).
Protein change: p.Ala36fs; shifts the reading frame from alanine 36.
Molecular consequence: frameshift variant (on NM_000077.6). On other transcripts: intron variant (2).
Genome position (GRCh38, 1-based): chr9:21,974,722, C duplicated on the plus strand (G on the coding strand, the reverse complement: CDKN2A is on the minus strand); the first of 5 consecutive C bases (chr9:21,974,722-21,974,726); duplicating any one gives the same sequence. VCF-style (leftmost placement, unchanged base first): chr9-21974721-G-GC. GRCh37 (hg19) VCF-style: chr9-21974720-G-GC.
Other names: c.102dup, p.Ala36Glyfs (NM_000077.6); c.106dup, p.Ala36fs (NM_001195132.2, NM_058197.5); c.-3-3514dup (NM_001363763.2); c.194-3514dup (NM_058195.4); c.106dupG (NM_000077.4); short protein forms A36fs.
Identifiers: ClinVar variation 92427 (VCV000092427.20), dbSNP rs398123152, ClinGen allele CA196201.

ClinVar aggregate classification (germline): Pathogenic. Review status: criteria provided, multiple submitters, no conflicts (2 of 4 stars). 6 submissions from 6 submitters: Pathogenic (6). Last evaluated 2025-12-03.

Conditions:
Melanoma-pancreatic cancer syndrome. Identifiers: Orphanet 404560, MedGen C1838547, MONDO:0011713, OMIM 606719. Disease mechanism: loss of function.
Familial melanoma. Also called: Hereditary melanoma; Hereditary cutaneous melanoma. Identifiers: Orphanet 618, MedGen C1512419, MONDO:0018961.
Hereditary cancer-predisposing syndrome. Also called: Neoplastic Syndromes, Hereditary; Hereditary Cancer Syndrome; Tumor predisposition; Hereditary neoplastic syndrome. Identifiers: Orphanet 140162, MedGen C0027672, MeSH D009386, MONDO:0015356.

Submissions (6):

Labcorp Genetics (formerly Invitae), Labcorp
Classification: Pathogenic for Familial melanoma. Last evaluated: 2025-12-03. Review status: criteria provided, single submitter. Criteria: Invitae Variant Classification Sherloc (09022015). Collection method: clinical testing. Allele origin: germline.
Comment: This sequence change creates a premature translational stop signal (p.Ala36Glyfs*8) in the CDKN2A (p16INK4a) gene. It is expected to result in an absent or disrupted protein product. Loss-of-function variants in CDKN2A (p16INK4a) are known to be pathogenic (PMID: 15146471, 16905682). This variant is not present in population databases (gnomAD no frequency). This variant has not been reported in the literature in individuals affected with CDKN2A (p16INK4a)-related conditions. ClinVar contains an entry for this variant (Variation ID: 92427). For these reasons, this variant has been classified as Pathogenic.

Myriad Genetics, Inc.
Classification: Pathogenic for Melanoma-pancreatic cancer syndrome. Last evaluated: 2025-08-14. Review status: criteria provided, single submitter. Criteria: Myriad Autosomal Dominant, Autosomal Recessive and X-Linked Classification Criteria (2023). Collection method: clinical testing. Allele origin: unknown.
Comment: This variant is considered pathogenic. This variant creates a frameshift predicted to result in premature protein truncation.

Ambry Genetics
Classification: Pathogenic for Hereditary cancer-predisposing syndrome. Last evaluated: 2025-06-20. Review status: criteria provided, single submitter. Criteria: Ambry Variant Classification Scheme 2023. Collection method: clinical testing. Allele origin: germline.
Comment: The c.106dupG pathogenic mutation, located in coding exon 1 of the CDKN2A gene, results from a duplication of G at nucleotide position 106, causing a translational frameshift with a predicted alternate stop codon (p.A36Gfs*8). This variant is considered to be rare based on population cohorts in the Genome Aggregation Database (gnomAD). This alteration is expected to result in loss of function by premature protein truncation or nonsense-mediated mRNA decay. As such, this alteration is interpreted as a disease-causing mutation.

Color Diagnostics, LLC DBA Color Health
Classification: Pathogenic for Hereditary cancer-predisposing syndrome. Last evaluated: 2023-11-06. Review status: criteria provided, single submitter. Criteria: ACMG Guidelines, 2015. Collection method: clinical testing. Allele origin: germline.
Comment: This variant inserts 1 nucleotide in exon 1 of the CDKN2A (p16INK4A) gene, creating a frameshift and premature translation stop signal. This variant is expected to result in an absent or non-functional protein product. To our knowledge, this variant has not been reported in individuals affected with CDKN2A-related disorders in the literature. This variant has not been identified in the general population by the Genome Aggregation Database (gnomAD). Loss of CDKN2A function is a known mechanism of disease. Based on the available evidence, this variant is classified as Pathogenic.

GeneDx
Classification: Pathogenic. Last evaluated: 2015-04-06. Review status: criteria provided, single submitter. Criteria: GeneDx Variant Classification (06012015). Collection method: clinical testing. Allele origin: germline. Affected: yes.
Comment: This duplication of one nucleotide in CDKN2A is denoted c.106dupG at the cDNA level and p.Ala36GlyfsX8 (A36GfsX8) at the protein level. The normal sequence, with the base that is duplicated in brackets, is CGGGG[G]CGCT. The duplication causes a frameshift, which changes an Alanine to a Glycine at codon 36, and creates a premature stop codon at position 8 of the new reading frame. Although this variant has not, to our knowledge, been reported in the literature, it is predicted to cause loss of normal protein function through either protein truncation or nonsense-mediated mRNA decay. we consider this variant to be pathogenic.

Eurofins Ntd Llc (ga)
Classification: Pathogenic. Last evaluated: 2014-07-24. Review status: criteria provided, single submitter. Criteria: EGL Classification Definitions. Collection method: clinical testing. Allele origin: germline. Observed: 4 variant alleles, 4 heterozygotes.

Literature cited by the submitters: PubMed 15146471 (cited by Labcorp Genetics (formerly Invitae), Labcorp); PubMed 16905682 (cited by Labcorp Genetics (formerly Invitae), Labcorp); PubMed 23757202 (cited by Eurofins Ntd Llc (ga)).